The following is an entry in ClinVar:

ClinVar aggregate classification (germline): Uncertain significance (1 of 4 stars; one submission).

Conditions:
Familial focal epilepsy with variable foci (FPEVF). Identifiers: Orphanet 98820, MedGen C1858477, MONDO:0020310.

Submission:

Labcorp Genetics (formerly Invitae), Labcorp
Classification: Uncertain significance for Familial focal epilepsy with variable foci. Last evaluated: 2018-08-01. Review status: criteria provided, single submitter. Criteria: Invitae Variant Classification Sherloc (09022015). Collection method: clinical testing. Allele origin: germline.
Comment: This variant is not present in population databases (ExAC no frequency). In summary, the available evidence is currently insufficient to determine the role of this variant in disease. Therefore, it has been classified as a Variant of Uncertain Significance. Algorithms developed to predict the effect of sequence changes on RNA splicing suggest that this variant may create or strengthen a splice site, but this prediction has not been confirmed by published transcriptional studies. Algorithms developed to predict the effect of missense changes on protein structure and function are either unavailable or do not agree on the potential impact of this missense change (SIFT: "Deleterious"; PolyPhen-2: "Not Available"; Align-GVGD: "Class C25"). This variant has not been reported in the literature in individuals with DEPDC5-related disease. This sequence change replaces leucine with valine at codon 854 of the DEPDC5 protein (p.Leu854Val). The leucine residue is highly conserved and there is a small physicochemical difference between leucine and valine.

NM_001242896.3(DEPDC5):c.2560C>G (p.Leu854Val)

Gene: DEPDC5 (DEP domain containing 5, GATOR1 subcomplex subunit; plus strand). Cytogenetic location: 22q12.3.
Variant type: single nucleotide variant.
Coding change: c.2560C>G on transcript NM_001242896.3 (MANE Select); coding-DNA position 2560, C replaced by G.
Protein change: p.Leu854Val; replaces leucine 854 with valine.
Molecular consequence: missense variant. On other transcripts: non-coding transcript variant (5).
Genome position (GRCh38, 1-based): chr22:31,843,139, C>G. VCF-style: chr22-31843139-C-G. GRCh37 (hg19) VCF-style: chr22-32239125-C-G.
Other names: c.2533C>G, p.Leu845Val (NM_001136029.4, NM_001369903.1, NM_014662.6); c.2326C>G, p.Leu776Val (NM_001242897.2, NM_001363854.2, NM_001364319.2); c.2560C>G, p.Leu854Val (NM_001363852.2, NM_001364318.2, NM_001364320.2); c.2476C>G, p.Leu826Val (NM_001369901.1, NM_001369902.1); short protein forms L826V, L854V, L776V, L845V.
Identifiers: ClinVar variation 651202 (VCV000651202.10), dbSNP rs1602350218, ClinGen allele CA411288573.